The following is an entry in ClinVar:

NM_015512.5(DNAH1):c.640G>A (p.Asp214Asn)

Gene: DNAH1 (dynein axonemal heavy chain 1; plus strand). Cytogenetic location: 3p21.1.
Variant type: single nucleotide variant.
Coding change: c.640G>A on transcript NM_015512.5 (MANE Select); coding-DNA position 640, G replaced by A.
Protein change: p.Asp214Asn; replaces aspartic acid 214 with asparagine.
Molecular consequence: missense variant.
Genome position (GRCh38, 1-based): chr3:52,326,793, G>A. VCF-style: chr3-52326793-G-A. GRCh37 (hg19) VCF-style: chr3-52360809-G-A.
Other names: short protein forms D214N.
Identifiers: ClinVar variation 568281 (VCV000568281.3), dbSNP rs373792628, ClinGen allele CA2432713.

ClinVar aggregate classification (germline): Uncertain significance (1 of 4 stars; one submission).

Conditions:
Spermatogenic failure 18. Identifiers: MedGen C4539783, MONDO:0054615, OMIM 617576.
Ciliary dyskinesia, primary, 37 (CILD37). Also called: CILIARY DYSKINESIA, PRIMARY, 37, WITH OR WITHOUT SITUS INVERSUS. Identifiers: MedGen C4539798, MONDO:0033204, OMIM 617577.

Allele frequency attached by ClinVar (database versions not stated): ExAC 0.00008; ESP Exome Variant Server 0.00008; TOPMed 0.00011; gnomAD 0.00012 and 0.00013; gnomAD exomes 0.00013 and 0.00025.
gnomAD v4.1: 392 of 1,613,718 alleles (0.024%); highest among the groups gnomAD compares: Non-Finnish European, 0.03%; no homozygotes.

Submission:

Labcorp Genetics (formerly Invitae), Labcorp
Classification: Uncertain significance for Ciliary dyskinesia, primary, 37; Spermatogenic failure 18. Last evaluated: 2022-04-19. Review status: criteria provided, single submitter. Criteria: Invitae Variant Classification Sherloc (09022015). Collection method: clinical testing. Allele origin: germline.
Comment: This sequence change replaces aspartic acid, which is acidic and polar, with asparagine, which is neutral and polar, at codon 214 of the DNAH1 protein (p.Asp214Asn). This variant is present in population databases (rs373792628, gnomAD 0.02%). This variant has not been reported in the literature in individuals affected with DNAH1-related conditions. ClinVar contains an entry for this variant (Variation ID: 568281). Algorithms developed to predict the effect of missense changes on protein structure and function output the following: SIFT: "Deleterious"; PolyPhen-2: "Benign"; Align-GVGD: "Class C0". The asparagine amino acid residue is found in multiple mammalian species, which suggests that this missense change does not adversely affect protein function. In summary, the available evidence is currently insufficient to determine the role of this variant in disease. Therefore, it has been classified as a Variant of Uncertain Significance.